The following is an entry in ClinVar:

NM_001365088.1(SLC12A6):c.112C>T (p.Arg38Ter)

Gene: SLC12A6 (solute carrier family 12 member 6; minus strand). Cytogenetic location: 15q14.
Variant type: single nucleotide variant.
Coding change: c.112C>T on transcript NM_001365088.1 (MANE Select); coding-DNA position 112, C replaced by T.
Protein change: p.Arg38Ter; replaces arginine 38 with a stop codon.
Molecular consequence: nonsense. On other transcripts: 5 prime UTR variant (2).
Genome position (GRCh38, 1-based): chr15:34,336,569, G>A on the plus strand (C>T on the coding strand, the complement: SLC12A6 is on the minus strand). VCF-style: chr15-34336569-G-A. GRCh37 (hg19) VCF-style: chr15-34628770-G-A.
Other names: c.-66C>T (NM_001042494.2, NM_001042495.2); c.85C>T, p.Arg29Ter (NM_001042496.2); c.112C>T, p.Arg38Ter (NM_001042497.2, NM_133647.2); short protein forms R29*, R38*.
Identifiers: ClinVar variation 2831021 (VCV002831021.3), dbSNP rs1250850814, ClinGen allele CA391621672.

ClinVar aggregate classification (germline): Pathogenic (1 of 4 stars; one submission).

Submission:

Labcorp Genetics (formerly Invitae), Labcorp
Classification: Pathogenic. Last evaluated: 2023-06-23. Review status: criteria provided, single submitter. Criteria: Invitae Variant Classification Sherloc (09022015). Collection method: clinical testing. Allele origin: germline.
Comment: For these reasons, this variant has been classified as Pathogenic. This variant has not been reported in the literature in individuals affected with SLC12A6-related conditions. This variant is not present in population databases (gnomAD no frequency). This sequence change creates a premature translational stop signal (p.Arg38*) in the SLC12A6 gene. It is expected to result in an absent or disrupted protein product. Loss-of-function variants in SLC12A6 are known to be pathogenic (PMID: 12368912, 16606917).

Literature cited by the submitters: PubMed 12368912; PubMed 16606917.